The following is an entry in ClinVar:

ClinVar aggregate classification (germline): Uncertain significance. Review status: criteria provided, multiple submitters, no conflicts (2 of 4 stars). 2 submissions from 2 submitters: Uncertain significance (2). Last evaluated 2024-10-29.

Conditions:
Inborn genetic diseases. Identifiers: MedGen C0950123, MeSH D030342.

Allele frequency attached by ClinVar (database versions not stated): gnomAD exomes below 0.00001; ExAC 0.00001; gnomAD 0.00002; TOPMed 0.00005.
gnomAD v4.1: 5 of 1,612,508 alleles (0.00031%); highest among the groups gnomAD compares: Admixed American, 0.0067%; no homozygotes.

Submissions (2):

Ambry Genetics
Classification: Uncertain significance for Inborn genetic diseases. Last evaluated: 2024-10-29. Review status: criteria provided, single submitter. Criteria: Ambry Variant Classification Scheme 2023. Collection method: clinical testing. Allele origin: germline.

Labcorp Genetics (formerly Invitae), Labcorp
Classification: Uncertain significance. Last evaluated: 2022-07-19. Review status: criteria provided, single submitter. Criteria: Invitae Variant Classification Sherloc (09022015). Collection method: clinical testing. Allele origin: germline.
Comment: This sequence change replaces histidine, which is basic and polar, with arginine, which is basic and polar, at codon 576 of the MPDZ protein (p.His576Arg). This variant is present in population databases (rs778244193, gnomAD 0.006%). This variant has not been reported in the literature in individuals affected with MPDZ-related conditions. Algorithms developed to predict the effect of missense changes on protein structure and function (SIFT, PolyPhen-2, Align-GVGD) all suggest that this variant is likely to be disruptive. In summary, the available evidence is currently insufficient to determine the role of this variant in disease. Therefore, it has been classified as a Variant of Uncertain Significance.

NM_001378778.1(MPDZ):c.1727A>G (p.His576Arg)

Gene: MPDZ (multiple PDZ domain crumbs cell polarity complex component; minus strand). Cytogenetic location: 9p23.
Variant type: single nucleotide variant.
Coding change: c.1727A>G on transcript NM_001378778.1 (MANE Select); coding-DNA position 1727, A replaced by G.
Protein change: p.His576Arg; replaces histidine 576 with arginine.
Molecular consequence: missense variant.
Genome position (GRCh38, 1-based): chr9:13,193,243, T>C on the plus strand (A>G on the coding strand, the complement: MPDZ is on the minus strand). VCF-style: chr9-13193243-T-C. GRCh37 (hg19) VCF-style: chr9-13193242-T-C.
Other names: c.1727A>G, p.His576Arg (NM_001261406.2, NM_001261407.2, NM_001330637.2 and 14 more transcripts); c.1727A>G (NM_003829.3); short protein forms H576R.
Identifiers: ClinVar variation 1928105 (VCV001928105.5), dbSNP rs778244193, ClinGen allele CA4987690.